The following is an entry in ClinVar:

ClinVar aggregate classification (germline): Conflicting classifications of pathogenicity. Review status: criteria provided, conflicting classifications (1 of 4 stars). 3 submissions from 3 submitters: Uncertain significance (1); Likely benign (1). 1 of the submissions does not count toward it. Last evaluated 2026-01-17.

Conditions:
Thrombophilia due to protein C deficiency, autosomal dominant. Also called: PROC DEFICIENCY, AUTOSOMAL DOMINANT; PROTEIN C DEFICIENCY, AUTOSOMAL DOMINANT. Identifiers: Orphanet 745, MedGen C2674321, MONDO:0008316, OMIM 176860. Disease mechanism: loss of function.
PROC-related disorder. Also called: PROC-related condition.

Allele frequency attached by ClinVar (database versions not stated): gnomAD 0.00001 and 0.00002; TOPMed 0.00002; ExAC 0.00003; gnomAD exomes 0.00004.
gnomAD v4.1: 65 of 1,613,818 alleles (0.004%); highest among the groups gnomAD compares: South Asian, 0.025%; no homozygotes.

Submissions (3):

Labcorp Genetics (formerly Invitae), Labcorp
Classification: Likely benign for Thrombophilia due to protein C deficiency, autosomal dominant. Last evaluated: 2026-01-17. Review status: criteria provided, single submitter. Criteria: Invitae Variant Classification Sherloc (09022015). Collection method: clinical testing. Allele origin: germline.

Illumina Laboratory Services, Illumina
Classification: Uncertain significance for Thrombophilia due to protein C deficiency, autosomal dominant. Last evaluated: 2017-04-27. Review status: criteria provided, single submitter. Criteria: ICSL Variant Classification Criteria 13 December 2019. Collection method: clinical testing. Allele origin: germline.

PreventionGenetics, part of Exact Sciences
Classification: Likely benign for PROC-related condition. Last evaluated: 2019-10-28. Review status: no assertion criteria provided. Collection method: clinical testing. Allele origin: germline. Not counted in ClinVar's aggregate classification.
Comment: This variant is classified as likely benign based on ACMG/AMP sequence variant interpretation guidelines (Richards et al. 2015 PMID: 25741868, with internal and published modifications).

NM_000312.4(PROC):c.1326C>T (p.Leu442=)

Gene: PROC (protein C, inactivator of coagulation factors Va and VIIIa; plus strand). Cytogenetic location: 2q14.3.
Variant type: single nucleotide variant.
Coding change: c.1326C>T on transcript NM_000312.4 (MANE Select); coding-DNA position 1326, C replaced by T.
Protein change: p.Leu442=; no amino-acid change (leucine 442 retained).
Molecular consequence: synonymous variant.
Genome position (GRCh38, 1-based): chr2:127,428,886, C>T. VCF-style: chr2-127428886-C-T. GRCh37 (hg19) VCF-style: chr2-128186462-C-T.
Other names: c.1509C>T, p.Leu503= (NM_001375602.1); c.1491C>T, p.Leu497= (NM_001375603.1); c.1389C>T, p.Leu463= (NM_001375604.1); c.1428C>T, p.Leu476= (NM_001375605.1); c.1494C>T, p.Leu498= (NM_001375606.1); c.1512C>T, p.Leu504= (NM_001375607.1); c.1269C>T, p.Leu423= (NM_001375608.1); c.1302C>T, p.Leu434= (NM_001375609.1); and 2 more.
Identifiers: ClinVar variation 706791 (VCV000706791.17), dbSNP rs748650244, ClinGen allele CA1859568.